The following is an entry in ClinVar:

ClinVar aggregate classification (germline): Likely benign. Review status: criteria provided, single submitter (1 of 4 stars). 3 submissions from 3 submitters: Likely benign (1). 2 of the submissions do not count toward it. Last evaluated 2024-02-08.

Conditions:
GLE1-related disorder. Also called: GLE1-related disorders; GLE1-related condition.
Lethal arthrogryposis-anterior horn cell disease syndrome (CAAHD). Also called: CONGENITAL ARTHROGRYPOSIS WITH ANTERIOR HORN CELL DISEASE. Identifiers: Orphanet 53696, MedGen C5193016, MONDO:0012750, OMIM 611890.

Allele frequency attached by ClinVar (database versions not stated): TOPMed 0.00002; gnomAD exomes 0.00006; 1000 Genomes Project 30x 0.00016; gnomAD 0.00001; ExAC 0.00005.
gnomAD v4.1: 34 of 1,612,142 alleles (0.0021%); highest among the groups gnomAD compares: South Asian, 0.02%; no homozygotes.

Submissions (3):

Labcorp Genetics (formerly Invitae), Labcorp
Classification: Likely benign. Last evaluated: 2024-02-08. Review status: criteria provided, single submitter. Criteria: Invitae Variant Classification Sherloc (09022015). Collection method: clinical testing. Allele origin: germline.

Natera, Inc.
Classification: Uncertain significance for Lethal arthrogryposis with anterior horn cell disease. Last evaluated: 2020-10-23. Review status: no assertion criteria provided. Collection method: clinical testing. Allele origin: germline. Not counted in ClinVar's aggregate classification.

PreventionGenetics, part of Exact Sciences
Classification: Likely benign for GLE1-related condition. Last evaluated: 2019-04-22. Review status: no assertion criteria provided. Collection method: clinical testing. Allele origin: germline. Not counted in ClinVar's aggregate classification.
Comment: This variant is classified as likely benign based on ACMG/AMP sequence variant interpretation guidelines (Richards et al. 2015 PMID: 25741868, with internal and published modifications).

NM_001003722.2(GLE1):c.1647-7C>T

Genes: GLE1 (GLE1 RNA export mediator; plus strand), LOC101929270 (uncharacterized LOC101929270; minus strand). Cytogenetic location: 9q34.11.
Variant type: single nucleotide variant.
Coding change: c.1647-7C>T on transcript NM_001003722.2 (MANE Select); 7 bases into the intron before coding-DNA position 1647, C replaced by T.
Molecular consequence: intron variant.
Genome position (GRCh38, 1-based): chr9:128,536,348, C>T. VCF-style: chr9-128536348-C-T. GRCh37 (hg19) VCF-style: chr9-131298627-C-T.
Other names: c.1647-7C>T (NM_001499.2, NM_001003722.1).
Identifiers: ClinVar variation 991331 (VCV000991331.10), dbSNP rs752552494, ClinGen allele CA5263928.